The following is an entry in ClinVar:

NM_001042492.3(NF1):c.1078C>A (p.Pro360Thr)

Gene: NF1 (neurofibromin 1; plus strand). Cytogenetic location: 17q11.2.
Variant type: single nucleotide variant.
Coding change: c.1078C>A on transcript NM_001042492.3 (MANE Select); coding-DNA position 1078, C replaced by A.
Protein change: p.Pro360Thr; replaces proline 360 with threonine.
Molecular consequence: missense variant.
Genome position (GRCh38, 1-based): chr17:31,201,052, C>A. VCF-style: chr17-31201052-C-A. GRCh37 (hg19) VCF-style: chr17-29528070-C-A.
Other names: c.1078C>A, p.Pro360Thr (NM_000267.4, NM_001128147.3); short protein forms P360T.
Identifiers: ClinVar variation 840036 (VCV000840036.6), dbSNP rs1597681902, ClinGen allele CA398996743.

ClinVar aggregate classification (germline): Uncertain significance (1 of 4 stars; one submission).

Conditions:
Neurofibromatosis, type 1 (NF1). Also called: Peripheral type neurofibromatosis; VON RECKLINGHAUSEN DISEASE; Neurofibromatosis, type I; NEUROFIBROMATOSIS, TYPE I, SOMATIC. Identifiers: Orphanet 636, MedGen C0027831, MONDO:0018975, OMIM 162200. Disease mechanism: loss of function.

Allele frequency attached by ClinVar (database versions not stated): gnomAD exomes below 0.00001.
gnomAD v4.1: 4 of 1,613,746 alleles (0.00025%); highest among the groups gnomAD compares: Non-Finnish European, 0.00034%; no homozygotes.

Submission:

Labcorp Genetics (formerly Invitae), Labcorp
Classification: Uncertain significance for Neurofibromatosis, type 1. Last evaluated: 2022-09-17. Review status: criteria provided, single submitter. Criteria: Invitae Variant Classification Sherloc (09022015). Collection method: clinical testing. Allele origin: germline.
Comment: ClinVar contains an entry for this variant (Variation ID: 840036). Advanced modeling of protein sequence and biophysical properties (such as structural, functional, and spatial information, amino acid conservation, physicochemical variation, residue mobility, and thermodynamic stability) has been performed at Invitae for this missense variant, however the output from this modeling did not meet the statistical confidence thresholds required to predict the impact of this variant on NF1 protein function. In summary, the available evidence is currently insufficient to determine the role of this variant in disease. Therefore, it has been classified as a Variant of Uncertain Significance. This sequence change replaces proline, which is neutral and non-polar, with threonine, which is neutral and polar, at codon 360 of the NF1 protein (p.Pro360Thr). This variant is not present in population databases (gnomAD no frequency). This variant has not been reported in the literature in individuals affected with NF1-related conditions.